The following is an entry in ClinVar:

NM_003743.5(NCOA1):c.3148G>A (p.Ala1050Thr)

Gene: NCOA1 (nuclear receptor coactivator 1; plus strand). Cytogenetic location: 2p23.3.
Variant type: single nucleotide variant.
Coding change: c.3148G>A on transcript NM_003743.5 (MANE Select); coding-DNA position 3148, G replaced by A.
Protein change: p.Ala1050Thr; replaces alanine 1050 with threonine.
Molecular consequence: missense variant.
Genome position (GRCh38, 1-based): chr2:24,729,762, G>A. VCF-style: chr2-24729762-G-A. GRCh37 (hg19) VCF-style: chr2-24952631-G-A.
Other names: c.3148G>A, p.Ala1050Thr (NM_001362950.1, NM_001362952.1, NM_001362954.1 and 3 more transcripts); short protein forms A1050T.
Identifiers: ClinVar variation 3353236 (VCV003353236.1).

ClinVar aggregate classification (germline): Uncertain significance (0 of 4 stars; one submission).

Conditions:
NCOA1-related disorder. Also called: NCOA1-related condition.

Submission:

PreventionGenetics, part of Exact Sciences
Classification: Uncertain significance for NCOA1-related condition. Last evaluated: 2024-02-23. Review status: no assertion criteria provided. Collection method: clinical testing. Allele origin: germline.
Comment: The NCOA1 c.3148G>A variant is predicted to result in the amino acid substitution p.Ala1050Thr. To our knowledge, this variant has not been reported in the literature or in a large population database, indicating this variant is rare. At this time, the clinical significance of this variant is uncertain due to the absence of conclusive functional and genetic evidence.